The following is an entry in ClinVar:

ClinVar aggregate classification (germline): Uncertain significance (1 of 4 stars; one submission).

Conditions:
Schimke immuno-osseous dysplasia (SIOD). Also called: Schimke Immunoosseous Dysplasia. Identifiers: Orphanet 1830, MedGen C0877024, MONDO:0009458, OMIM 242900.

Allele frequency attached by ClinVar (database versions not stated): gnomAD exomes below 0.00001.
gnomAD v4.1: 1 of 1,613,988 alleles (0.000062%); highest among the groups gnomAD compares: Middle Eastern, 0.016%; no homozygotes.

Submission:

Labcorp Genetics (formerly Invitae), Labcorp
Classification: Uncertain significance for Schimke immuno-osseous dysplasia. Last evaluated: 2021-12-12. Review status: criteria provided, single submitter. Criteria: Invitae Variant Classification Sherloc (09022015). Collection method: clinical testing. Allele origin: germline.
Comment: This sequence change replaces lysine, which is basic and polar, with arginine, which is basic and polar, at codon 616 of the SMARCAL1 protein (p.Lys616Arg). This variant is not present in population databases (gnomAD no frequency). This variant has not been reported in the literature in individuals affected with SMARCAL1-related conditions. Algorithms developed to predict the effect of missense changes on protein structure and function (SIFT, PolyPhen-2, Align-GVGD) all suggest that this variant is likely to be disruptive. Algorithms developed to predict the effect of sequence changes on RNA splicing suggest that this variant may create or strengthen a splice site. In summary, the available evidence is currently insufficient to determine the role of this variant in disease. Therefore, it has been classified as a Variant of Uncertain Significance.

NM_014140.4(SMARCAL1):c.1847A>G (p.Lys616Arg)

Gene: SMARCAL1 (SNF2 related chromatin remodeling annealing helicase 1; plus strand). Cytogenetic location: 2q35.
Variant type: single nucleotide variant.
Coding change: c.1847A>G on transcript NM_014140.4 (MANE Select); coding-DNA position 1847, A replaced by G.
Protein change: p.Lys616Arg; replaces lysine 616 with arginine.
Molecular consequence: missense variant.
Genome position (GRCh38, 1-based): chr2:216,447,154, A>G. VCF-style: chr2-216447154-A-G. GRCh37 (hg19) VCF-style: chr2-217311877-A-G.
Other names: c.1847A>G, p.Lys616Arg (NM_001127207.2); short protein forms K616R.
Identifiers: ClinVar variation 1960985 (VCV001960985.2), dbSNP rs2469012643, ClinGen allele CA350501877.